The following is an entry in ClinVar:

NM_058216.3(RAD51C):c.286A>C (p.Thr96Pro)

Gene: RAD51C (RAD51 paralog C; plus strand). Cytogenetic location: 17q22.
Variant type: single nucleotide variant.
Coding change: c.286A>C on transcript NM_058216.3 (MANE Select); coding-DNA position 286, A replaced by C.
Protein change: p.Thr96Pro; replaces threonine 96 with proline.
Molecular consequence: missense variant. On other transcripts: non-coding transcript variant (2).
Genome position (GRCh38, 1-based): chr17:58,695,071, A>C. VCF-style: chr17-58695071-A-C. GRCh37 (hg19) VCF-style: chr17-56772432-A-C.
Other names: c.286A>C, p.Thr96Pro (NM_002876.4); short protein forms T96P.
Identifiers: ClinVar variation 928058 (VCV000928058.5), dbSNP rs2047950932, ClinGen allele CA400340854.

ClinVar aggregate classification (germline): Uncertain significance (1 of 4 stars; one submission).

Conditions:
Hereditary cancer-predisposing syndrome. Also called: Neoplastic Syndromes, Hereditary; Hereditary Cancer Syndrome; Tumor predisposition; Hereditary neoplastic syndrome. Identifiers: Orphanet 140162, MedGen C0027672, MeSH D009386, MONDO:0015356.

Submission:

Color Diagnostics, LLC DBA Color Health
Classification: Uncertain significance for Hereditary cancer-predisposing syndrome. Last evaluated: 2023-12-04. Review status: criteria provided, single submitter. Criteria: ACMG Guidelines, 2015. Collection method: clinical testing. Allele origin: germline.
Comment: This missense variant replaces threonine with proline at codon 96 of the RAD51C protein. Computational prediction tools and conservation analyses are inconclusive regarding the impact of this variant on the protein function. Computational splicing tools suggest that this variant may not impact RNA splicing. To our knowledge, functional assays have not been performed for this variant nor has this variant been reported in individuals affected with hereditary cancer in the literature. This variant has not been identified in the general population by the Genome Aggregation Database (gnomAD). Available evidence is insufficient to determine the role of this variant in disease conclusively. Therefore, this variant is classified as a Variant of Uncertain Significance.